The following is an entry in ClinVar:

NM_001393494.1(IL34):c.468G>A (p.Leu156=)

Gene: IL34 (interleukin 34; plus strand). Cytogenetic location: 16q22.1.
Variant type: single nucleotide variant.
Coding change: c.468G>A on transcript NM_001393494.1 (MANE Select); coding-DNA position 468, G replaced by A.
Protein change: p.Leu156=; no amino-acid change (leucine 156 retained).
Molecular consequence: synonymous variant.
Genome position (GRCh38, 1-based): chr16:70,659,683, G>A. VCF-style: chr16-70659683-G-A. GRCh37 (hg19) VCF-style: chr16-70693586-G-A.
Other names: c.465G>A, p.Leu155= (NM_001172771.2, NM_001393495.1, NM_001393496.1); c.468G>A, p.Leu156= (NM_001172772.2, NM_001393493.1, NM_152456.3); c.393G>A, p.Leu131= (NM_001393497.1); c.390G>A, p.Leu130= (NM_001393498.1).
Identifiers: ClinVar variation 3060450 (VCV003060450.2), dbSNP rs2507097832, ClinGen allele CA496229855.
Genomic context (GRCh38, chr16:70,659,683, plus strand): 5'-GGAGGTCAGCCCCAAGGTGGAATCCGTGTTGTCCCTCTTGAATGCCCCAGGGCCAAACCT[G>A]AAGCTGGTGCGGCCCAAAGCCCTGCTGGACAACTGCTTCCGGGTCATGGAGCTGCTGTAC-3'
Protein context (NP_001380423.1, residues 146-166): LSLLNAPGPN[Leu156=]KLVRPKALLD

ClinVar aggregate classification (germline): Likely benign (0 of 4 stars; one submission).

Conditions:
IL34-related disorder. Also called: IL34-related condition.

Allele frequency attached by ClinVar (database versions not stated): gnomAD exomes below 0.00001.
gnomAD v4.1: 1 of 1,612,984 alleles (0.000062%); highest among the groups gnomAD compares: Non-Finnish European, 0.000085%; no homozygotes.

Submission:

PreventionGenetics, part of Exact Sciences
Classification: Likely benign for IL34-related condition. Last evaluated: 2021-06-22. Review status: no assertion criteria provided. Collection method: clinical testing. Allele origin: germline.
Comment: This variant is classified as likely benign based on ACMG/AMP sequence variant interpretation guidelines (Richards et al. 2015 PMID: 25741868, with internal and published modifications).